The following is an entry in ClinVar:

NM_006885.4(ZFHX3):c.9604C>T (p.Gln3202Ter)

Genes: ZFHX3 (zinc finger homeobox 3; minus strand), ZFHX3-AS1 (ZFHX3 antisense RNA 1; plus strand). Cytogenetic location: 16q22.2.
Variant type: single nucleotide variant.
Coding change: c.9604C>T on transcript NM_006885.4 (MANE Select); coding-DNA position 9604, C replaced by T.
Protein change: p.Gln3202Ter; replaces glutamine 3202 with a stop codon.
Molecular consequence: nonsense.
Genome position (GRCh38, 1-based): chr16:72,788,672, G>A on the plus strand (C>T on the coding strand, the complement: ZFHX3 is on the minus strand). VCF-style: chr16-72788672-G-A. GRCh37 (hg19) VCF-style: chr16-72822571-G-A.
Other names: c.6862C>T, p.Gln2288Ter (NM_001164766.2); c.9604C>T, p.Gln3202Ter (NM_001386735.1); short protein forms Q2288*, Q3202*.
Identifiers: ClinVar variation 3773888 (VCV003773888.1).
Genomic context (GRCh38, chr16:72,788,672, plus strand): 5'-GTGTGGGTGGCGGCTGGGCTGCTGGCGGCGGGGGAGGCTGCTGCACCTGTGGTTGCTGCT[G>A]CTGCTGCTGCTGCTGGGGGGGTTGCTGAGGGCCCATCGCCATCGTGGCTTGTGCTGGGGT-3'

ClinVar aggregate classification (germline): Uncertain significance (1 of 4 stars; one submission).

Submission:

GeneDx
Classification: Uncertain significance. Last evaluated: 2024-09-21. Review status: criteria provided, single submitter. Criteria: GeneDx Variant Classification Process June 2021. Collection method: clinical testing. Allele origin: germline. Affected: yes.
Comment: Not observed at significant frequency in large population cohorts (gnomAD); Nonsense variant predicted to result in protein truncation as the last 502 amino acid(s) are lost; Has not been previously published as pathogenic or benign to our knowledge